The following is an entry in ClinVar:

NM_057175.5(NAA15):c.2304_2307dup (p.Lys770fs)

Gene: NAA15 (N-alpha-acetyltransferase 15, NatA auxiliary subunit; plus strand). Cytogenetic location: 4q31.1.
Variant type: Duplication.
Coding change: c.2304_2307dup on transcript NM_057175.5 (MANE Select); coding-DNA positions 2304 to 2307, 4 bases duplicated (TGCC; older notation c.2304_2307dupTGCC).
Protein change: p.Lys770fs; shifts the reading frame from lysine 770.
Molecular consequence: frameshift variant.
Genome position (GRCh38, 1-based): chr4:139,386,134-139,386,137, TGCC duplicated; duplicating any 4 consecutive bases within chr4:139,386,133-139,386,137 gives the same sequence; the c. name uses the placement nearest the transcript's 3' end. VCF-style (leftmost placement, unchanged base first): chr4-139386132-G-GCTGC. GRCh37 (hg19) VCF-style: chr4-140307286-G-GCTGC.
Other names: c.2301_2304dup, p.Lys769fs (NM_001410842.1); short protein forms K769fs, K770fs.
Identifiers: ClinVar variation 4823689 (VCV004823689.4).

ClinVar aggregate classification (germline): Pathogenic (1 of 4 stars; one submission).

Submission:

CeGaT Center for Human Genetics Tuebingen
Classification: Pathogenic. Last evaluated: 2026-03-01. Review status: criteria provided, single submitter. Criteria: CeGaT Center For Human Genetics Tuebingen Variant Classification Criteria Version 2. Collection method: clinical testing. Allele origin: germline. Affected: yes. Observed: 1 variant allele.
Comment: NAA15: PVS1, PM2